The following is an entry in ClinVar:

NM_001394062.1(MACF1):c.14488C>T (p.Gln4830Ter)

Gene: MACF1 (microtubule actin crosslinking factor 1; plus strand). Cytogenetic location: 1p34.3.
Variant type: single nucleotide variant.
Coding change: c.14488C>T on transcript NM_001394062.1 (MANE Select); coding-DNA position 14488, C replaced by T.
Protein change: p.Gln4830Ter; replaces glutamine 4830 with a stop codon.
Molecular consequence: nonsense.
Genome position (GRCh38, 1-based): chr1:39,387,330, C>T. VCF-style: chr1-39387330-C-T. GRCh37 (hg19) VCF-style: chr1-39853002-C-T.
Other names: c.8302C>T, p.Gln2768Ter (NM_012090.5); short protein forms Q2768*, Q4830*.
Identifiers: ClinVar variation 3906385 (VCV003906385.1).

ClinVar aggregate classification (germline): Uncertain significance (1 of 4 stars; one submission).

Submission:

GeneDx
Classification: Uncertain significance. Last evaluated: 2024-12-20. Review status: criteria provided, single submitter. Criteria: GeneDx Variant Classification Process June 2021. Collection method: clinical testing. Allele origin: germline. Affected: yes.
Comment: Not observed at significant frequency in large population cohorts (gnomAD); Nonsense variant predicted to result in protein truncation or nonsense mediated decay in a gene or region of a gene for which loss of function is not a well-established mechanism of disease; Has not been previously published as pathogenic or benign to our knowledge